The following is an entry in ClinVar:

ClinVar aggregate classification (germline): Likely benign (1 of 4 stars; one submission).

gnomAD v4.1: 9 of 1,524,624 alleles (0.00059%); highest among the groups gnomAD compares: Admixed American, 0.002%; no homozygotes.

Submission:

CeGaT Center for Human Genetics Tuebingen
Classification: Likely benign. Last evaluated: 2026-05-01. Review status: criteria provided, single submitter. Criteria: CeGaT Center For Human Genetics Tuebingen Variant Classification Criteria Version 2. Collection method: clinical testing. Allele origin: germline. Affected: yes. Observed: 1 variant allele.
Comment: KIF26A: BP4, BP7

NM_015656.2(KIF26A):c.5307C>T (p.Ala1769=)

Gene: KIF26A (kinesin family member 26A; plus strand). Cytogenetic location: 14q32.33.
Variant type: single nucleotide variant.
Coding change: c.5307C>T on transcript NM_015656.2 (MANE Select); coding-DNA position 5307, C replaced by T.
Protein change: p.Ala1769=; no amino-acid change (alanine 1769 retained).
Molecular consequence: synonymous variant.
Genome position (GRCh38, 1-based): chr14:104,178,746, C>T. VCF-style: chr14-104178746-C-T. GRCh37 (hg19) VCF-style: chr14-104645083-C-T.
Identifiers: ClinVar variation 4873575 (VCV004873575.2).
Genomic context (GRCh38, chr14:104,178,746, plus strand): 5'-GGTGTACGAGATCGATGACGTGGAGCGCCTTCAGCGGCCCCGCCCCACCCCGAGGGAGGC[C>T]CCCACCCAGGTAGGGCCTTTGGTGGGCTGGGGTCTATGACCCCTGGTGGGGAGCCTGCCG-3'
Protein context (NP_056471.1, residues 1759-1779): LQRPRPTPRE[Ala1769=]PTQGLACVST